The following is an entry in ClinVar:

NM_001943.5(DSG2):c.*1844A>G

Genes: DSG2 (desmoglein 2; plus strand), DSG2-AS1 (DSG2 antisense RNA 1; minus strand). Cytogenetic location: 18q12.1.
Variant type: single nucleotide variant.
Coding change: c.*1844A>G on transcript NM_001943.5 (MANE Select); 1844 bases downstream of the stop codon, A replaced by G.
Molecular consequence: 3 prime UTR variant.
Genome position (GRCh38, 1-based): chr18:31,548,587, A>G. VCF-style: chr18-31548587-A-G. GRCh37 (hg19) VCF-style: chr18-29128550-A-G.
Other names: c.*1844A>G (LRG_397t1).
Identifiers: ClinVar variation 326538 (VCV000326538.5), dbSNP rs16962096, ClinGen allele CA10650773.

ClinVar aggregate classification (germline): Likely benign (1 of 4 stars; one submission).

Conditions:
Arrhythmogenic right ventricular dysplasia 10. Also called: Arrhythmogenic Right Ventricular Dysplasia/Cardiomyopathy10; ARRHYTHMOGENIC RIGHT VENTRICULAR DYSPLASIA, FAMILIAL, 10; Arrhythmogenic right ventricular dysplasia/cardiomyopathy, type 10. Identifiers: MedGen C1857777, MONDO:0012434, OMIM 610193.

Allele frequency attached by ClinVar (database versions not stated): gnomAD 0.00700 and 0.00658; 1000 Genomes Project 0.00779; 1000 Genomes Project 30x 0.00812; TOPMed 0.00725.

Submission:

Illumina Laboratory Services, Illumina
Classification: Likely benign for Arrhythmogenic right ventricular dysplasia 10. Last evaluated: 2018-01-13. Review status: criteria provided, single submitter. Criteria: ICSL Variant Classification Criteria 13 December 2019. Collection method: clinical testing. Allele origin: germline.
Comment: This variant was observed in the ICSL laboratory as part of a predisposition screen in an ostensibly healthy population. It had not been previously curated by ICSL or reported in the Human Gene Mutation Database (HGMD: prior to June 1st, 2018), and was therefore a candidate for classification through an automated scoring system. Utilizing variant allele frequency, disease prevalence and penetrance estimates, and inheritance mode, an automated score was calculated to assess if this variant is too frequent to cause the disease. Based on the score and internal cut-off values, a variant classified as likely benign is not then subjected to further curation. The score for this variant resulted in a classification of likely benign for this disease.